The following is an entry in ClinVar:

ClinVar aggregate classification (germline): Uncertain significance. Review status: reviewed by expert panel (3 of 4 stars). 5 submissions from 5 submitters: Uncertain significance (1). 4 of the submissions do not count toward it. Last evaluated 2025-08-01.

Conditions:
Central core myopathy (CMYO1A). Also called: Central core disease; Myopathy, central fibrillar; CONGENITAL MYOPATHY 1A, AUTOSOMAL DOMINANT, WITH SUSCEPTIBILITY TO MALIGNANT HYPERTHERMIA. Identifiers: Orphanet 597, MedGen C5830701, MONDO:0007294, OMIM 117000.
King Denborough syndrome (KDS). Identifiers: MedGen C1840365, MONDO:0020485, OMIM 619542.
Malignant hyperthermia, susceptibility to, 1 (MHS1). Also called: RYR1-Related Malignant Hyperthermia Susceptibility; Anesthesia related hyperthermia; Malignant hyperpyrexia; Fulminating hyperpyrexia; Pharmacogenic myopathy; Malignant hyperthermia suceptibility 1. Identifiers: Orphanet 423, MedGen C2930980, MONDO:0007783, OMIM 145600.
Congenital multicore myopathy with external ophthalmoplegia (CMYO1B). Also called: Minicore myopathy with external ophthalmoplegia; MULTIMINICORE DISEASE WITH EXTERNAL OPHTHALMOPLEGIA; Congenital myopathy 1B, autosomal recessive; Minicore myopathy; MULTICORE MYOPATHY. Identifiers: Orphanet 598, Orphanet 98905, MedGen C1850674, MONDO:0009712, OMIM 255320, HP:0003789.
Congenital myopathy with fiber type disproportion. Also called: Congenital fiber-type disproportion myopathy; Congenital fiber-type disproportion. Identifiers: Orphanet 2020, MedGen C0546264, MONDO:0009711. Inheritance: all.
Malignant hyperthermia of anesthesia. Also called: Anesthesic-triggered malignant hyperthermia. Identifiers: Orphanet 423, MedGen C0024591, MONDO:0018493, HP:0034733.
RYR1-related disorder. Also called: RYR1-related disorders; RYR1-related condition. Identifiers: MedGen CN239331.

Allele frequency attached by ClinVar (database versions not stated): gnomAD exomes 0.00003 and 0.00005; TOPMed 0.00003; ExAC 0.00006; gnomAD 0.00006 and 0.00007; 1000 Genomes Project 30x 0.00016; 1000 Genomes Project 0.00020.
gnomAD v4.1: 80 of 1,614,150 alleles (0.005%); highest among the groups gnomAD compares: Non-Finnish European, 0.0058%; no homozygotes.

Submissions (5):

ClinGen Malignant Hyperthermia Susceptibility Variant Curation Expert Panel, ClinGen
Classification: Uncertain significance for Malignant hyperthermia of anesthesia. Last evaluated: 2025-08-01. Review status: reviewed by expert panel. Criteria: ClinGen MHS ACMG Specifications V2. Collection method: curation. Allele origin: germline. Inheritance: Autosomal dominant inheritance.
Comment: This pathogenicity assessment is relevant only for malignant hyperthermia susceptibility (MHS) inherited in an autosomal dominant pattern. Variants in RYR1 can also cause other myopathies inherited in an autosomal dominant pattern or in an autosomal recessive pattern. Some of these disorders may predispose individuals to malignant hyperthermia. RYR1 variants may also contribute to a malignant hyperthermia reaction in combination with other genetic and non-genetic factors and the clinician needs to consider such factors in making management decisions. This sequence variant predicts a substitution of glutamic acid with glycine at codon 4133 of the RYR1 protein, p.(Glu4133Gly). The maximum allele frequency for this variant among the six major gnomAD populations is SAS: 0.0000649, a frequency consistent with pathogenicity for MHS. This variant has been identified in an individual reported to have undergone an MH episode (CGS 10), the individual had a positive in vitro contracture test (IVCT) or caffeine halothane contracture test (CHCT) result (PMID: 24433488). The MAF in the SAS population in gnomAD is 0.000065, assuming ~3,000 MH cases described in the literature an odds ratio calculation would allow for PS4_Supporting. No functional studies were identified for this variant. This variant does not reside in a hotspot for pathogenic variants that contribute to MHS. A REVEL score >0.85 (0.881) supports a pathogenic status for this variant, PP3_Moderate. This variant has been classified as a Variant of Unknown Significance. Criteria implemented: PP3_Moderate.

Labcorp Genetics (formerly Invitae), Labcorp
Classification: Uncertain significance for RYR1-related disorder. Last evaluated: 2025-05-19. Review status: criteria provided, single submitter. Criteria: Invitae Variant Classification Sherloc (09022015). Collection method: clinical testing. Allele origin: germline. Not counted in ClinVar's aggregate classification.
Comment: This sequence change replaces glutamic acid, which is acidic and polar, with glycine, which is neutral and non-polar, at codon 4133 of the RYR1 protein (p.Glu4133Gly). This variant is present in population databases (rs201321695, gnomAD 0.006%). This missense change has been observed in individual(s) with malignant hyperthermia susceptibility (PMID: 24433488). ClinVar contains an entry for this variant (Variation ID: 654427). Invitae Evidence Modeling of protein sequence and biophysical properties (such as structural, functional, and spatial information, amino acid conservation, physicochemical variation, residue mobility, and thermodynamic stability) indicates that this missense variant is not expected to disrupt RYR1 protein function with a negative predictive value of 80%. In summary, the available evidence is currently insufficient to determine the role of this variant in disease. Therefore, it has been classified as a Variant of Uncertain Significance.

All of Us Research Program, National Institutes of Health
Classification: Uncertain significance for Malignant hyperthermia, susceptibility to, 1. Last evaluated: 2024-09-23. Review status: criteria provided, single submitter. Criteria: ACMG Guidelines, 2015. Collection method: clinical testing. Allele origin: germline. Inheritance: Autosomal dominant inheritance. Observed: 8 variant alleles, 8 heterozygotes. Not counted in ClinVar's aggregate classification.
Comment: This missense variant replaces glutamic acid with glycine at codon 4133 of the RYR1 protein. Computational prediction suggests that this variant may have deleterious impact on protein structure and function (internally defined REVEL score threshold >= 0.7, PMID: 27666373). To our knowledge, functional studies have not been reported for this variant. This variant has been reported in an individual who experienced a malignant hyperthermia event (CGS 10) (PMID: 24433488). This variant has been identified in 10/282520 chromosomes in the general population by the Genome Aggregation Database (gnomAD). The available evidence is insufficient to determine the role of this variant in disease conclusively. Therefore, this variant is classified as a Variant of Uncertain Significance.

This study involves interpretation of variants in research participants for the purpose of population health screening. Participant phenotype was not available at the time of variant classification. Additional details can be found in publication PMID: 35346344, PMCID: PMC8962531

Revvity Omics, Revvity
Classification: Uncertain significance. Last evaluated: 2023-01-11. Review status: criteria provided, single submitter. Criteria: ACMG Guidelines, 2015. Collection method: clinical testing. Allele origin: germline. Not counted in ClinVar's aggregate classification.

Fulgent Genetics
Classification: Uncertain significance for Central core myopathy; Malignant hyperthermia, susceptibility to, 1; Congenital myopathy 4A, autosomal dominant; Congenital multicore myopathy with external ophthalmoplegia; King Denborough syndrome. Last evaluated: 2021-10-16. Review status: criteria provided, single submitter. Criteria: ACMG Guidelines, 2015. Collection method: clinical testing. Allele origin: unknown. Not counted in ClinVar's aggregate classification.

Literature cited by the submitters: PubMed 24433488 (cited by Labcorp Genetics (formerly Invitae), Labcorp and All of Us Research Program, National Institutes of Health).

NM_000540.3(RYR1):c.12398A>G (p.Glu4133Gly)

Gene: RYR1 (ryanodine receptor 1; plus strand). Cytogenetic location: 19q13.2.
Variant type: single nucleotide variant.
Coding change: c.12398A>G on transcript NM_000540.3 (MANE Select); coding-DNA position 12398, A replaced by G.
Protein change: p.Glu4133Gly; replaces glutamic acid 4133 with glycine.
Molecular consequence: missense variant.
Genome position (GRCh38, 1-based): chr19:38,561,228, A>G. VCF-style: chr19-38561228-A-G. GRCh37 (hg19) VCF-style: chr19-39051868-A-G.
Other names: c.12398A>G (NM_000540.2); c.12383A>G, p.Glu4128Gly (NM_001042723.2); short protein forms E4128G, E4133G.
Identifiers: ClinVar variation 654427 (VCV000654427.13), dbSNP rs201321695, ClinGen allele CA058826.